The following is an entry in ClinVar:

NM_000388.4(CASR):c.1673A>G (p.Glu558Gly)

Gene: CASR (calcium sensing receptor; plus strand). Cytogenetic location: 3q21.1.
Variant type: single nucleotide variant.
Coding change: c.1673A>G on transcript NM_000388.4 (MANE Select); coding-DNA position 1673, A replaced by G.
Protein change: p.Glu558Gly; replaces glutamic acid 558 with glycine.
Molecular consequence: missense variant.
Genome position (GRCh38, 1-based): chr3:122,282,177, A>G. VCF-style: chr3-122282177-A-G. GRCh37 (hg19) VCF-style: chr3-122001024-A-G.
Other names: c.1703A>G, p.Glu568Gly (NM_001178065.2); short protein forms E558G, E568G.
Identifiers: ClinVar variation 432667 (VCV000432667.5), dbSNP rs1553768726, ClinGen allele CA354156245.
Genomic context (GRCh38, chr3:122,282,177, plus strand): 5'-CCTTCTCCAACTGCAGCCGAGACTGCCTGGCAGGGACCAGGAAAGGGATCATTGAGGGGG[A>G]GCCCACCTGCTGCTTTGAGTGTGTGGAGTGTCCTGATGGGGAGTATAGTGATGAGACAGG-3'
Protein context (NP_000379.3, residues 548-568): AGTRKGIIEG[Glu558Gly]PTCCFECVEC

ClinVar aggregate classification (germline): Conflicting classifications of pathogenicity. Review status: criteria provided, conflicting classifications (1 of 4 stars). 2 submissions from 2 submitters: Likely pathogenic (1); Uncertain significance (1). Last evaluated 2024-08-27.

Conditions:
Familial hypocalciuric hypercalcemia (FHH). Also called: Familial benign hypercalcemia. Identifiers: Orphanet 405, MedGen C1809471, MONDO:0018458.
Autosomal dominant hypocalcemia 1 (HYPOC1). Also called: HYPOCALCEMIA, FAMILIAL. Identifiers: MedGen C3715128, MONDO:0011013, OMIM 601198.

Submissions (2):

Labcorp Genetics (formerly Invitae), Labcorp
Classification: Uncertain significance for Familial hypocalciuric hypercalcemia; Autosomal dominant hypocalcemia 1. Last evaluated: 2024-08-27. Review status: criteria provided, single submitter. Criteria: Invitae Variant Classification Sherloc (09022015). Collection method: clinical testing. Allele origin: germline.
Comment: This sequence change replaces glutamic acid, which is acidic and polar, with glycine, which is neutral and non-polar, at codon 558 of the CASR protein (p.Glu558Gly). This variant is not present in population databases (gnomAD no frequency). This missense change has been observed in individual(s) with hypercalcemia (internal data). It has also been observed to segregate with disease in related individuals. ClinVar contains an entry for this variant (Variation ID: 432667). An algorithm developed to predict the effect of missense changes on protein structure and function (PolyPhen-2) suggests that this variant is likely to be tolerated. In summary, the available evidence is currently insufficient to determine the role of this variant in disease. Therefore, it has been classified as a Variant of Uncertain Significance.

GeneDx
Classification: Likely pathogenic. Last evaluated: 2017-06-20. Review status: criteria provided, single submitter. Criteria: GeneDx Variant Classification (06012015). Collection method: clinical testing. Allele origin: germline. Affected: yes.
Comment: The E558G variant in the CASR gene has not been reported previously as a pathogenic variant, nor as a benign variant, to our knowledge. The E558G variant is not observed in large population cohorts (Lek et al., 2016; 1000 Genomes Consortium et al., 2015; Exome Variant Server). The E558G variant is a non-conservative amino acid substitution, which is likely to impact secondary protein structure as these residues differ in polarity, charge, size and/or other properties. This substitution occurs at a position that is conserved in mammals. In silico analysis predicts this variant is probably damaging to the protein structure/function. Missense variants in nearby residues (G553R, I554N, I555T, E556K, G557E, C562Y) have been reported in the Human Gene Mutation Database in association with a CASR-related disorder (Stenson et al., 2014), supporting the functional importance of this region of the protein. We interpret E558G as a likely pathogenic variant.